The following continues an entry in ClinVar:

NM_000051.4(ATM):c.8147T>C (p.Val2716Ala)

ClinVar aggregate classification (germline): Pathogenic/Likely pathogenic. Pathogenic (32); Likely pathogenic (12).

Submissions 24 to 39 of 53:

3billion
Classification: Likely pathogenic for Ataxia-telangiectasia syndrome. Last evaluated: 2023-02-23. Review status: criteria provided, single submitter. Criteria: ACMG Guidelines, 2015. Collection method: clinical testing. Allele origin: unknown. Affected: yes.
Comment: The variant is observed at an extremely low frequency in the gnomAD v2.1.1 dataset (total allele frequency: 0.003%). Protein truncation variants are a common disease-causing mechanism. In silico tool predictions suggest damaging effect of the variant on gene or gene product (REVEL: 0.91; 3Cnet: 0.74). Same nucleotide change resulting in same amino acid change (ClinVar ID: VCV000142700) and a different missense change at the same codon (p.Val2716Phe / ClinVar ID: VCV000181985) have been previously reported as pathogenic/likely pathogenic with strong evidence. Therefore, this variant is classified as Likely pathogenic according to the recommendation of ACMG/AMP guideline.

Laboratory for Molecular Medicine, Mass General Brigham Personalized Medicine
Classification: Pathogenic for Ataxia-telangiectasia syndrome. Last evaluated: 2023-02-02. Review status: criteria provided, single submitter. Criteria: ACMG Guidelines, 2015. Collection method: clinical testing. Allele origin: germline.
Comment: The p.Val2716Ala variant in ATM has been reported in >20 compound heterozygous individuals with ataxia telangectasia and segregated with disease in 3 affected individuals from 2 families. Most of these cases, however are atypical and mild cases of ataxia telangectasia (Verhagen 2009 PMID: 19535770, van Os 2019 PMID: 30819809, Schon 2019 PMID: 30549301, Lohmann 2015 PMID: 25957637, Fievet 2019 PMID: 31050087, Heil 2006 PMID: 16864838, Demuth 2011 PMID: 21965147, Reiman 2011 PMID: 21792198). It has also been found in individuals with breast cancer (Reiman 2011 PMID: 21792198, Mandigers 2011 PMID: 21354641, Fanale 2020 PMID: 32854451, Susswein 2016 PMID: 26681312). It has also been identified in 0.0088% (6/68034) of European chromosomes by gnomAD. This variant has also been reported in ClinVar (Variation ID 142700). Computational prediction tools and conservation analyses suggest that this variant may impact the protein, though this information is not predictive enough to determine pathogenicity. In vitro functional studies provide some evidence that this variant reduces, however retains some protein function, which may produce the more mild symptoms seen in patients (Scott 2002 PMID: 11805335, Demuth 2011 PMID: 21965147). In summary, this variant meets criteria to be classified as pathogenic for autosomal recessive ataxia telangectasia, though presentation may be atypical. ACMG/AMP Criteria applied: PM3_Very Strong, PP1_Strong, PS3_Moderate, PM2_Supporting, PP3.

Athena Diagnostics
Classification: Pathogenic. Last evaluated: 2022-12-20. Review status: criteria provided, single submitter. Criteria: Athena Diagnostics Criteria. Collection method: clinical testing. Allele origin: unknown.
Comment: The frequency of this variant in the general population is consistent with pathogenicity (Genome Aggregation Database (gnomAD), Cambridge, MA (URL)). This variant segregates with ataxia-telangiectasia in at least one family. Assessment of experimental evidence suggests this variant results in abnormal protein function. (PMID: 11805335) In multiple individuals, this variant has been seen with a single recessive pathogenic variant in the same gene, suggesting this variant may also be pathogenic.

Centre for Mendelian Genomics, University Medical Centre Ljubljana
Classification: Pathogenic for Familial cancer of breast. Last evaluated: 2022-12-09. Review status: criteria provided, single submitter. Criteria: ACMG Guidelines, 2015. Collection method: research. Allele origin: germline. Affected: no.
Comment: PS3_MOD, PM3_VSTR , PM5

CHEO Genetics Diagnostic Laboratory, Children's Hospital of Eastern Ontario
Classification: Likely pathogenic for Breast and/or ovarian cancer. Last evaluated: 2022-10-28. Review status: criteria provided, single submitter. Criteria: ACMG Guidelines, 2015. Collection method: clinical testing. Allele origin: germline.

HudsonAlpha Institute for Biotechnology
Classification: Likely pathogenic for Ataxia-telangiectasia syndrome; Familial cancer of breast. Last evaluated: 2022-09-26. Review status: criteria provided, single submitter. Criteria: ACMG Guidelines, 2015. Collection method: research. Allele origin: unknown. Observed: 1 variant allele. Study: HudsonAlpha-COAGS.

GeneDx
Classification: Pathogenic. Last evaluated: 2022-07-29. Review status: criteria provided, single submitter. Criteria: GeneDx Variant Classification Process June 2021. Collection method: clinical testing. Allele origin: germline. Affected: yes.
Comment: Published functional studies support a damaging effect: expresses some level of kinase activity, but shows reduced ATM protein expression and transfected cells have exhibited reduced radiation-induced kinase activity (Scott 2002, Verhagen 2009, Demuth 2011, Reiman 2011); Observed in the heterozygous state in individuals with ATM-related cancers (Mandigers 2011, Reiman 2011, Huang 2018, Whitworth 2018); In silico analysis supports that this missense variant has a deleterious effect on protein structure/function; Not observed at significant frequency in large population cohorts (gnomAD); This variant is associated with the following publications: (PMID: 26053094, 25572163, 25525159, 21792198, 22146522, 26976419, 30579816, 30549301, 21965147, 21778326, 25957637, 19535770, 25040471, 25980754, 11805335, 16864838, 21354641, 25793145, 26681312, 27060149, 10738255, 15279808, 23566627, 28477129, 28301460, 28126470, 28716242, 25122203, 28843361, 22213089, 29478780, 29909963, 30322717, 30819809, 20301790, 19605768, 31050087, 31920950, 32854451, 32558426, 31980526, 29625052, 33098801, 31447099, 31589614, 23532176, 33594163)

Mendelics
Classification: Pathogenic for Familial cancer of breast. Last evaluated: 2022-05-04. Review status: criteria provided, single submitter. Criteria: Mendelics Assertion Criteria 2019. Collection method: clinical testing. Allele origin: germline.

Institute of Human Genetics, University of Leipzig Medical Center
Classification: Pathogenic for Familial cancer of breast. Last evaluated: 2022-04-14. Review status: criteria provided, single submitter. Criteria: ACMG Guidelines, 2015. Collection method: clinical testing. Allele origin: unknown. Affected: yes.
Comment: _x000D_ Criteria applied: PS3, PS4_MOD

MGZ Medical Genetics Center
Classification: Likely pathogenic for Familial cancer of breast. Last evaluated: 2022-02-08. Review status: criteria provided, single submitter. Criteria: ACMG Guidelines, 2015. Collection method: clinical testing. Allele origin: germline. Affected: yes. Observed: 2 variant alleles.
Comment: ACMG criteria applied: PS4_MOD, PM3, PS3_SUP, PM2_SUP, PP3

Department of Pathology and Laboratory Medicine, Sinai Health System
Classification: Likely pathogenic for Familial cancer of breast. Last evaluated: 2021-11-19. Review status: criteria provided, single submitter. Criteria: ACMG Guidelines, 2015. Collection method: clinical testing. Allele origin: germline. Affected: yes.

Sema4
Classification: Pathogenic for Hereditary cancer-predisposing syndrome. Last evaluated: 2021-09-10. Review status: criteria provided, single submitter. Criteria: Sema4 Curation Guidelines. Collection method: curation. Allele origin: germline.
Comment: The ATM c.8147T>C (p.V2716A) variant has been reported in heterozygosity in multiple individuals with breast, lung, and colorectal cancer (PMID: 26681312, 32854451, 28843361, 29478780) and as compound heterozygous in at least 4 individuals with ataxia-telangiectasia (PMID: 30549301). Functional studies have shown that this variant decreases ATM kinase activity (PMID: 11805335, 21792198). This variant was observed in 9/282750 chromosomes in the European (non-Finnish) population, according to the Genome Aggregation Database (PMID: 32461654). This variant has been reported in ClinVar (Variation ID: 142700). Based on the current evidence available, this variant is interpreted as pathogenic.

Molecular Medicine for Neurodegenerative and Neuromuscular Diseases Unit, IRCCS Fondazione Stella Maris
Classification: Pathogenic for Ataxia-telangiectasia syndrome. Last evaluated: 2021-01-04. Review status: criteria provided, single submitter. Criteria: ACMG Guidelines, 2015. Collection method: research. Allele origin: unknown. Affected: yes.

Department of Molecular Diagnostics, Institute of Oncology Ljubljana
Classification: Likely pathogenic for Familial cancer of breast. Last evaluated: 2020-04-02. Review status: criteria provided, single submitter. Criteria: ACMG Guidelines, 2015. Collection method: clinical testing. Allele origin: germline. Affected: yes.

Genetic Services Laboratory, University of Chicago
Classification: Pathogenic. Last evaluated: 2020-03-17. Review status: criteria provided, single submitter. Criteria: ACMG Guidelines, 2015. Collection method: clinical testing. Allele origin: germline. Affected: yes.
Comment: DNA sequence analysis of the ATM gene demonstrated a sequence change, c.8147T>C, in exon 55 that results in an amino acid change, p.Val2716Ala. This sequence change has been described in the EXAC database with a low population frequency of 0.004% (dbSNP rs587782652).The p.Val2716Ala change affects a highly conserved amino acid residue located in a domain of the ATM protein that is known to be functional. The p.Val2716Ala substitution appears to be deleterious using several in-silico pathogenicity prediction tools (SIFT, PolyPhen2, Align GVGD, REVEL). This sequence change has been described in patients with ataxia-telangiectasia in compound heterozygous state (PMID: 21965147, 19535770). Functional in-vitro studies demonstrated that p.Val2716Ala-infected cells had higher radiation-induced chromosome aberrations, when compared to controls (PMID: 11805335). These collective evidences suggest that this sequence change is pathogenic.

Women's Health and Genetics/Laboratory Corporation of America, LabCorp
Classification: Pathogenic for Ataxia-telangiectasia syndrome. Last evaluated: 2018-09-10. Review status: criteria provided, single submitter. Criteria: LabCorp Variant Classification Summary - May 2015. Collection method: clinical testing. Allele origin: germline.
Comment: Variant summary: ATM c.8147T>C (p.Val2716Ala) results in a non-conservative amino acid change located in the Phosphatidylinositol 3-/4-kinase, catalytic domain of the encoded protein sequence. Four of five in-silico tools predict a damaging effect of the variant on protein function. The variant allele was found at a frequency of 3.2e-05 in 277104 control chromosomes (gnomAD). The variant, c.8147T>C, has been reported in the literature in multiple individuals affected with Ataxia-Telangiectasia (Demuth_2011, Hiel_2006, Lohmann_2015). These data indicate that the variant is very likely to be associated with disease. At least one publication reports experimental evidence evaluating an impact on protein function. The most pronounced variant effect results in <10% of normal activity (Scott_2001). Five ClinVar submission from other clinical diagnostic laboratories (evaluation after 2014) cite the variant as likely pathogenic/pathogenic. Based on the evidence outlined above, the variant was classified as pathogenic.